The following is an entry in ClinVar:

NM_000455.5(STK11):c.396C>T (p.Cys132=)

Gene: STK11 (serine/threonine kinase 11; plus strand). Cytogenetic location: 19p13.3.
Variant type: single nucleotide variant.
Coding change: c.396C>T on transcript NM_000455.5 (MANE Select); coding-DNA position 396, C replaced by T.
Protein change: p.Cys132=; no amino-acid change (cysteine 132 retained).
Molecular consequence: synonymous variant.
Genome position (GRCh38, 1-based): chr19:1,219,345, C>T. VCF-style: chr19-1219345-C-T. GRCh37 (hg19) VCF-style: chr19-1219344-C-T.
Identifiers: ClinVar variation 184127 (VCV000184127.25), dbSNP rs730881969, ClinGen allele CA022873.

ClinVar aggregate classification (germline): Conflicting classifications of pathogenicity. Review status: criteria provided, conflicting classifications (1 of 4 stars). 9 submissions from 9 submitters: Uncertain significance (1); Benign (1); Likely benign (7). Last evaluated 2025-11-17.

Conditions:
Hereditary cancer-predisposing syndrome. Also called: Tumor predisposition; Hereditary Cancer Syndrome; Hereditary neoplastic syndrome; Neoplastic Syndromes, Hereditary. Identifiers: Orphanet 140162, MedGen C0027672, MeSH D009386, MONDO:0015356.
Peutz-Jeghers syndrome (PJS). Also called: POLYPOSIS, HAMARTOMATOUS INTESTINAL; POLYPS-AND-SPOTS SYNDROME; Peutz-Jeghers polyposis; Periorificial lentiginosis syndrome. Identifiers: Orphanet 2869, MedGen C0031269, MeSH D010580, MONDO:0008280, OMIM 175200.

Allele frequency attached by ClinVar (database versions not stated): ExAC below 0.00001; TOPMed 0.00001; gnomAD exomes below 0.00001; gnomAD 0.00001.
gnomAD v4.1: 8 of 1,567,794 alleles (0.00051%); highest among the groups gnomAD compares: Non-Finnish European, 0.0006%; no homozygotes.

Submissions (10):

Labcorp Genetics (formerly Invitae), Labcorp
Classification: Likely benign for Peutz-Jeghers syndrome. Last evaluated: 2025-11-17. Review status: criteria provided, single submitter. Criteria: Invitae Variant Classification Sherloc (09022015). Collection method: clinical testing. Allele origin: germline.

Myriad Genetics, Inc.
Classification: Benign for Peutz-Jeghers syndrome. Last evaluated: 2025-03-25. Review status: criteria provided, single submitter. Criteria: Myriad Autosomal Dominant, Autosomal Recessive and X-Linked Classification Criteria (2023). Collection method: clinical testing. Allele origin: unknown.
Comment: This variant is considered benign. This variant is a silent/synonymous amino acid change and it is not expected to impact splicing.

All of Us Research Program, National Institutes of Health
Classification: Likely benign for Peutz-Jeghers syndrome. Last evaluated: 2023-08-15. Review status: criteria provided, single submitter. Criteria: ACMG Guidelines, 2015. Collection method: clinical testing. Allele origin: germline. Inheritance: Autosomal dominant inheritance. Observed: 3 variant alleles, 3 heterozygotes.
Comment: This study involves interpretation of variants in research participants for the purpose of population health screening. Participant phenotype was not available at the time of variant classification. Additional details can be found in publication PMID: 35346344, PMCID: PMC8962531

Department of Pathology and Laboratory Medicine, Sinai Health System
Classification: Uncertain significance for Peutz-Jeghers syndrome. Last evaluated: 2022-02-17. Review status: criteria provided, single submitter. Criteria: ACMG Guidelines, 2015. Collection method: clinical testing. Allele origin: germline. Affected: yes.

Sema4
Classification: Likely benign for Hereditary cancer-predisposing syndrome. Last evaluated: 2020-07-02. Review status: criteria provided, single submitter. Criteria: Sema4 Curation Guidelines. Collection method: curation. Allele origin: germline.

Women's Health and Genetics/Laboratory Corporation of America, LabCorp
Classification: Likely benign. Last evaluated: 2019-08-29. Review status: criteria provided, single submitter. Criteria: LabCorp Variant Classification Summary - May 2015. Collection method: clinical testing. Allele origin: germline.

GeneDx
Classification: Likely benign. Last evaluated: 2015-11-05. Review status: criteria provided, single submitter. Criteria: GeneDx Variant Classification (06012015). Collection method: clinical testing. Allele origin: germline. Affected: yes.
Comment: This variant is considered likely benign or benign based on one or more of the following criteria: it is a conservative change, it occurs at a poorly conserved position in the protein, it is predicted to be benign by multiple in silico algorithms, and/or has population frequency not consistent with disease.

Color Diagnostics, LLC DBA Color Health
Classification: Likely benign for Hereditary cancer-predisposing syndrome. Last evaluated: 2015-08-17. Review status: criteria provided, single submitter. Criteria: ACMG Guidelines, 2015. Collection method: clinical testing. Allele origin: germline.

Ambry Genetics
Classification: Likely benign for Hereditary cancer-predisposing syndrome. Last evaluated: 2015-05-24. Review status: criteria provided, single submitter. Criteria: Ambry Variant Classification Scheme 2023. Collection method: clinical testing. Allele origin: germline.

Dr. Peter K. Rogan Lab, Western University
No classification provided (evidence only). Condition: Colon adenocarcinoma. Review status: no classification provided. Collection method: in vitro. Allele origin: not applicable. Functional consequence: retained intron. Not counted in ClinVar's aggregate classification.